The following is an entry in ClinVar:

NM_001372066.1(TFAP2A):c.241C>G (p.Pro81Ala)

Gene: TFAP2A (transcription factor AP-2 alpha; minus strand). Cytogenetic location: 6p24.3.
Variant type: single nucleotide variant.
Coding change: c.241C>G on transcript NM_001372066.1 (MANE Select); coding-DNA position 241, C replaced by G.
Protein change: p.Pro81Ala; replaces proline 81 with alanine.
Molecular consequence: missense variant.
Genome position (GRCh38, 1-based): chr6:10,410,146, G>C on the plus strand (C>G on the coding strand, the complement: TFAP2A is on the minus strand). VCF-style: chr6-10410146-G-C. GRCh37 (hg19) VCF-style: chr6-10410379-G-C.
Other names: NM_003220.2:c.235C>G; c.217C>G, p.Pro73Ala (NM_001032280.3); c.223C>G, p.Pro75Ala (NM_001042425.3); short protein forms P73A, P75A, P81A.
Identifiers: ClinVar variation 1309617 (VCV001309617.3), dbSNP rs1207350614, ClinGen allele CA362704805.
Genomic context (GRCh38, chr6:10,410,146, plus strand): 5'-GGCCGGGCCAGCCTGGGTGCTGCGGCTGCGGCTGGGCGTGCAGGGGGTTCAGGCTGTAGG[G>C]GTCGTTGACGTGGGAGTAAGGATCTTGCGACTGGGGGTAGATAGGCTGGTAGGGTGGGGG-3'
Protein context (NP_001358995.1, residues 71-91): SQDPYSHVND[Pro81Ala]YSLNPLHAQP

ClinVar aggregate classification (germline): Uncertain significance. Review status: criteria provided, multiple submitters, no conflicts (2 of 4 stars). 2 submissions from 2 submitters: Uncertain significance (2). Last evaluated 2023-12-29.

Conditions:
Branchiooculofacial syndrome (BOFS). Also called: HEMANGIOMATOUS BRANCHIAL CLEFTS-LIP PSEUDOCLEFT SYNDROME; LIP PSEUDOCLEFT-HEMANGIOMATOUS BRANCHIAL CYST SYNDROME; BOF SYNDROME; Branchio-Oculo-Facial Syndrome. Identifiers: Orphanet 1297, MedGen C0376524, MeSH D019280, MONDO:0007235, OMIM 113620.

Allele frequency attached by ClinVar (database versions not stated): gnomAD exomes below 0.00001; TOPMed below 0.00001.
gnomAD v4.1: 21 of 1,611,362 alleles (0.0013%); highest among the groups gnomAD compares: Non-Finnish European, 0.0018%; no homozygotes.

Submissions (2):

Fulgent Genetics
Classification: Uncertain significance for Branchiooculofacial syndrome. Last evaluated: 2023-12-29. Review status: criteria provided, single submitter. Criteria: ACMG Guidelines, 2015. Collection method: clinical testing. Allele origin: germline.

GeneDx
Classification: Uncertain significance. Last evaluated: 2019-09-02. Review status: criteria provided, single submitter. Criteria: GeneDx Variant Classification Process June 2021. Collection method: clinical testing. Allele origin: germline. Affected: yes.
Comment: Not observed at a significant frequency in large population cohorts (Lek et al., 2016); In silico analysis, which includes protein predictors and evolutionary conservation, supports a deleterious effect; Has not been previously published as pathogenic or benign to our knowledge